The following is an entry in ClinVar:

ClinVar aggregate classification (germline): Conflicting classifications of pathogenicity. Review status: criteria provided, conflicting classifications (1 of 4 stars). 3 submissions from 3 submitters: Uncertain significance (1); Likely benign (2). Last evaluated 2025-12-01.

Conditions:
Bethlem myopathy 1A. Also called: MYOPATHY, BENIGN CONGENITAL, WITH CONTRACTURES; Bethlem Muscular Dystrophy; Bethlem myopathy 1. Identifiers: Orphanet 610, MedGen CN029274, MONDO:0024530, OMIM 158810.

Allele frequency attached by ClinVar (database versions not stated): gnomAD 0.00001; gnomAD exomes 0.00003 and 0.00011; ExAC 0.00012; 1000 Genomes Project 30x 0.00016; 1000 Genomes Project 0.00020.
gnomAD v4.1: 47 of 1,607,828 alleles (0.0029%); highest among the groups gnomAD compares: South Asian, 0.04%; no homozygotes.

Submissions (3):

Labcorp Genetics (formerly Invitae), Labcorp
Classification: Likely benign for Bethlem myopathy 1A. Last evaluated: 2025-12-01. Review status: criteria provided, single submitter. Criteria: Invitae Variant Classification Sherloc (09022015). Collection method: clinical testing. Allele origin: germline.

Eurofins Ntd Llc (ga)
Classification: Uncertain significance. Last evaluated: 2016-11-09. Review status: criteria provided, single submitter. Criteria: EGL Classification Definitions 2015. Collection method: clinical testing. Allele origin: germline. Observed: 1 variant allele, 1 heterozygote.

GeneDx
Classification: Likely benign. Last evaluated: 2016-07-21. Review status: criteria provided, single submitter. Criteria: GeneDx Variant Classification (06012015). Collection method: clinical testing. Allele origin: germline. Affected: yes.
Comment: This variant is considered likely benign or benign based on one or more of the following criteria: it is a conservative change, it occurs at a poorly conserved position in the protein, it is predicted to be benign by multiple in silico algorithms, and/or has population frequency not consistent with disease.

NM_001849.4(COL6A2):c.2841C>T (p.Leu947=)

Gene: COL6A2 (collagen type VI alpha 2 chain; plus strand). Cytogenetic location: 21q22.3.
Variant type: single nucleotide variant.
Coding change: c.2841C>T on transcript NM_001849.4 (MANE Select); coding-DNA position 2841, C replaced by T.
Protein change: p.Leu947=; no amino-acid change (leucine 947 retained).
Molecular consequence: synonymous variant.
Genome position (GRCh38, 1-based): chr21:46,132,333, C>T. VCF-style: chr21-46132333-C-T. GRCh37 (hg19) VCF-style: chr21-47552247-C-T.
Identifiers: ClinVar variation 387218 (VCV000387218.12), dbSNP rs532522222, ClinGen allele CA10073046.